The following is an entry in ClinVar:

ClinVar aggregate classification (germline): Uncertain significance (1 of 4 stars; one submission).

Submission:

Labcorp Genetics (formerly Invitae), Labcorp
Classification: Uncertain significance. Last evaluated: 2022-03-11. Review status: criteria provided, single submitter. Criteria: Invitae Variant Classification Sherloc (09022015). Collection method: clinical testing. Allele origin: germline.
Comment: In summary, the available evidence is currently insufficient to determine the role of this variant in disease. Therefore, it has been classified as a Variant of Uncertain Significance. Advanced modeling of protein sequence and biophysical properties (such as structural, functional, and spatial information, amino acid conservation, physicochemical variation, residue mobility, and thermodynamic stability) performed at Invitae indicates that this missense variant is not expected to disrupt FAT4 protein function. This variant has not been reported in the literature in individuals affected with FAT4-related conditions. This variant is not present in population databases (gnomAD no frequency). This sequence change replaces threonine, which is neutral and polar, with serine, which is neutral and polar, at codon 877 of the FAT4 protein (p.Thr877Ser).

NM_001291303.3(FAT4):c.2630C>G (p.Thr877Ser)

Gene: FAT4 (FAT atypical cadherin 4; plus strand). Cytogenetic location: 4q28.1.
Variant type: single nucleotide variant.
Coding change: c.2630C>G on transcript NM_001291303.3 (MANE Select); coding-DNA position 2630, C replaced by G.
Protein change: p.Thr877Ser; replaces threonine 877 with serine.
Molecular consequence: missense variant.
Genome position (GRCh38, 1-based): chr4:125,319,041, C>G. VCF-style: chr4-125319041-C-G. GRCh37 (hg19) VCF-style: chr4-126240196-C-G.
Other names: c.2630C>G, p.Thr877Ser (NM_001291285.3, NM_024582.6); short protein forms T877S.
Identifiers: ClinVar variation 2108733 (VCV002108733.2), dbSNP rs772039129, ClinGen allele CA358120745.